The following is an entry in ClinVar:

ClinVar aggregate classification (germline): Uncertain significance (0 of 4 stars; one submission).

Conditions:
ARMC9-related disorder. Also called: ARMC9-related condition.

gnomAD v4.1: 8 of 1,614,018 alleles (0.0005%); highest among the groups gnomAD compares: East Asian, 0.016%; no homozygotes.

Submission:

PreventionGenetics, part of Exact Sciences
Classification: Uncertain significance for ARMC9-related condition. Last evaluated: 2024-08-29. Review status: no assertion criteria provided. Collection method: clinical testing. Allele origin: germline.
Comment: The ARMC9 c.1568A>G variant is predicted to result in the amino acid substitution p.Asn523Ser. In an alternate transcript (NM_025139) this variant is still described as c.1568A>G (p.Asn523Ser). To our knowledge, this variant has not been reported in the literature. This variant is reported in 0.016% of alleles in individuals of East Asian descent in gnomAD. At this time, the clinical significance of this variant is uncertain due to the absence of conclusive functional and genetic evidence.

NM_001352754.2(ARMC9):c.1568A>G (p.Asn523Ser)

Gene: ARMC9 (armadillo repeat containing 9; plus strand). Cytogenetic location: 2q37.1.
Variant type: single nucleotide variant.
Coding change: c.1568A>G on transcript NM_001352754.2 (MANE Select); coding-DNA position 1568, A replaced by G.
Protein change: p.Asn523Ser; replaces asparagine 523 with serine.
Molecular consequence: missense variant. On other transcripts: non-coding transcript variant (1).
Genome position (GRCh38, 1-based): chr2:231,282,075, A>G. VCF-style: chr2-231282075-A-G. GRCh37 (hg19) VCF-style: chr2-232146788-A-G.
Other names: c.1568A>G, p.Asn523Ser (NM_001271466.4, NM_001291656.2, NM_001352755.2 and 3 more transcripts); c.1469A>G, p.Asn490Ser (NM_001352757.2, NM_001352758.2); short protein forms N490S, N523S.
Identifiers: ClinVar variation 3358094 (VCV003358094.1).
Genomic context (GRCh38, chr2:231,282,075, plus strand): 5'-ATTTGAAAACTTGCAAATAACTGGTTTTTTTCCTCCCCTTAAAGATACAGCCGTATGTGA[A>G]TGGAGCTCTGTACAGCATCCTTTCTGTTCCATCCATTCGTGAGGAAGCAAGAGCAATGGT-3'
Protein context (NP_001339683.2, residues 513-533): HENHEIQPYV[Asn523Ser]GALYSILSVP